The following is an entry in ClinVar:

NM_020708.5(SLC12A5):c.1834A>G (p.Ile612Val)

Gene: SLC12A5 (solute carrier family 12 member 5; plus strand). Cytogenetic location: 20q13.12.
Variant type: single nucleotide variant.
Coding change: c.1834A>G on transcript NM_020708.5 (MANE Select); coding-DNA position 1834, A replaced by G.
Protein change: p.Ile612Val; replaces isoleucine 612 with valine.
Molecular consequence: missense variant.
Genome position (GRCh38, 1-based): chr20:46,047,500, A>G. VCF-style: chr20-46047500-A-G. GRCh37 (hg19) VCF-style: chr20-44676139-A-G.
Other names: c.1903A>G, p.Ile635Val (NM_001134771.2); short protein forms I635V, I612V.
Identifiers: ClinVar variation 644093 (VCV000644093.9), dbSNP rs1600600642, ClinGen allele CA409199182.

ClinVar aggregate classification (germline): Uncertain significance (1 of 4 stars; one submission).

Conditions:
Developmental and epileptic encephalopathy, 34 (DEE34). Also called: Early infantile epileptic encephalopathy 34; SLC12A5-Related Epilepsy of Infancy with Migrating Focal Seizures. Identifiers: Orphanet 293181, MedGen C4225257, MONDO:0014718, OMIM 616645.

Allele frequency attached by ClinVar (database versions not stated): gnomAD exomes below 0.00001; TOPMed below 0.00001.
gnomAD v4.1: 3 of 1,613,986 alleles (0.00019%); highest among the groups gnomAD compares: South Asian, 0.0022%; no homozygotes.

Submission:

Labcorp Genetics (formerly Invitae), Labcorp
Classification: Uncertain significance for Developmental and epileptic encephalopathy, 34. Last evaluated: 2018-10-04. Review status: criteria provided, single submitter. Criteria: Invitae Variant Classification Sherloc (09022015). Collection method: clinical testing. Allele origin: germline.
Comment: This variant has not been reported in the literature in individuals with SLC12A5-related disease. This variant is not present in population databases (ExAC no frequency). This sequence change replaces isoleucine with valine at codon 612 of the SLC12A5 protein (p.Ile612Val). The isoleucine residue is moderately conserved and there is a small physicochemical difference between isoleucine and valine. In summary, the available evidence is currently insufficient to determine the role of this variant in disease. Therefore, it has been classified as a Variant of Uncertain Significance. Algorithms developed to predict the effect of missense changes on protein structure and function are either unavailable or do not agree on the potential impact of this missense change (SIFT: "Tolerated"; PolyPhen-2: "Unavailable"; Align-GVGD: "Class C0").